The following is an entry in ClinVar:

NC_000010.10:g.(?_13160868)_(13161060_?)del

Gene: OPTN (optineurin; plus strand). Cytogenetic location: 10p13.
Variant type: Deletion.
Identifiers: ClinVar variation 1499699 (VCV001499699.7).

ClinVar aggregate classification (germline): Uncertain significance (1 of 4 stars; one submission).

Conditions:
Primary open angle glaucoma (POAG). Also called: OPTN-related open angle glaucoma. Identifiers: MedGen C0339573, MONDO:0100553, OMIM 137760.
Amyotrophic lateral sclerosis type 12 (ALS12). Also called: AMYOTROPHIC LATERAL SCLEROSIS 12 WITH OR WITHOUT FRONTOTEMPORAL DEMENTIA. Identifiers: Orphanet 803, MedGen C3150692, MONDO:0013264, OMIM 613435.
Glaucoma 1, open angle, E. Identifiers: MedGen C1842026, MONDO:0007665.

Submission:

Labcorp Genetics (formerly Invitae), Labcorp
Classification: Uncertain significance for Primary open angle glaucoma; Glaucoma 1, open angle, E; Amyotrophic lateral sclerosis type 12. Last evaluated: 2022-04-18. Review status: criteria provided, single submitter. Criteria: Invitae Variant Classification Sherloc (09022015). Collection method: clinical testing. Allele origin: germline.
Comment: This variant is a gross deletion of the genomic region encompassing exon(s) 6 of the OPTN gene. This variant would be expected to be in-frame, preserving the integrity of the reading frame. Experimental studies and prediction algorithms are not available or were not evaluated, and the functional significance of this variant is currently unknown. In summary, the available evidence is currently insufficient to determine the role of this variant in disease. Therefore, it has been classified as a Variant of Uncertain Significance. This variant has not been reported in the literature in individuals affected with OPTN-related conditions.